The following is an entry in ClinVar:

NM_015404.4(WHRN):c.1822C>T (p.Gln608Ter)

Gene: WHRN (whirlin; minus strand). Cytogenetic location: 9q32.
Variant type: single nucleotide variant.
Coding change: c.1822C>T on transcript NM_015404.4 (MANE Select); coding-DNA position 1822, C replaced by T.
Protein change: p.Gln608Ter; replaces glutamine 608 with a stop codon.
Molecular consequence: nonsense.
Genome position (GRCh38, 1-based): chr9:114,406,769, G>A on the plus strand (C>T on the coding strand, the complement: WHRN is on the minus strand). VCF-style: chr9-114406769-G-A. GRCh37 (hg19) VCF-style: chr9-117169049-G-A.
Other names: c.673C>T, p.Gln225Ter (NM_001083885.3); c.1822C>T, p.Gln608Ter (NM_001173425.2); c.769C>T, p.Gln257Ter (NM_001346890.1); short protein forms Q608*, Q257*, Q225*.
Identifiers: ClinVar variation 1451408 (VCV001451408.6), dbSNP rs1049970703, ClinGen allele CA198650278.

ClinVar aggregate classification (germline): Pathogenic (1 of 4 stars; one submission).

Allele frequency attached by ClinVar (database versions not stated): gnomAD exomes below 0.00001.
gnomAD v4.1: 1 of 1,614,118 alleles (0.000062%); highest among the groups gnomAD compares: South Asian, 0.0011%; no homozygotes.

Submission:

Labcorp Genetics (formerly Invitae), Labcorp
Classification: Pathogenic. Last evaluated: 2021-11-16. Review status: criteria provided, single submitter. Criteria: Invitae Variant Classification Sherloc (09022015). Collection method: clinical testing. Allele origin: germline.
Comment: This variant is not present in population databases (gnomAD no frequency). This sequence change creates a premature translational stop signal (p.Gln608*) in the WHRN gene. It is expected to result in an absent or disrupted protein product. Loss-of-function variants in WHRN are known to be pathogenic (PMID: 12833159, 15841483, 22147658). This variant has not been reported in the literature in individuals affected with WHRN-related conditions. For these reasons, this variant has been classified as Pathogenic.

Literature cited by the submitters: PubMed 12833159; PubMed 15841483; PubMed 22147658.